The following is an entry in ClinVar:

ClinVar aggregate classification (germline): Uncertain significance (1 of 4 stars; one submission).

Submission:

Labcorp Genetics (formerly Invitae), Labcorp
Classification: Uncertain significance. Last evaluated: 2022-03-23. Review status: criteria provided, single submitter. Criteria: Invitae Variant Classification Sherloc (09022015). Collection method: clinical testing. Allele origin: germline.
Comment: This variant is not present in population databases (gnomAD no frequency). This sequence change replaces proline, which is neutral and non-polar, with arginine, which is basic and polar, at codon 113 of the LTBP4 protein (p.Pro113Arg). This variant has not been reported in the literature in individuals affected with LTBP4-related conditions. Experimental studies and prediction algorithms are not available or were not evaluated, and the functional significance of this variant is currently unknown. In summary, the available evidence is currently insufficient to determine the role of this variant in disease. Therefore, it has been classified as a Variant of Uncertain Significance.

NM_003573.2(LTBP4):c.338C>G (p.Pro113Arg)

Gene: LTBP4 (latent transforming growth factor beta binding protein 4; plus strand). Cytogenetic location: 19q13.2.
Variant type: single nucleotide variant.
Coding change: c.338C>G on transcript NM_003573.2; coding-DNA position 338, C replaced by G.
Protein change: p.Pro113Arg; replaces proline 113 with arginine.
Molecular consequence: missense variant.
Genome position (GRCh38, 1-based): chr19:40,600,175, C>G. VCF-style: chr19-40600175-C-G. GRCh37 (hg19) VCF-style: chr19-41106081-C-G.
Other names: c.449C>G, p.Pro150Arg (NM_001042544.1); short protein forms P113R, P150R.
Identifiers: ClinVar variation 2116301 (VCV002116301.4), dbSNP rs1372460542, ClinGen allele CA405930424.